The following is an entry in ClinVar:

ClinVar aggregate classification (germline): Pathogenic. Review status: criteria provided, multiple submitters, no conflicts (2 of 4 stars). 2 submissions from 2 submitters: Pathogenic (2). Last evaluated 2024-08-12.

Conditions:
ABCA4-related disorder. Also called: ABCA4-related disorders; ABCA4-related condition. Identifiers: MedGen CN239167.

Submissions (2):

Labcorp Genetics (formerly Invitae), Labcorp
Classification: Pathogenic. Last evaluated: 2024-08-12. Review status: criteria provided, single submitter. Criteria: Invitae Variant Classification Sherloc (09022015). Collection method: clinical testing. Allele origin: germline.
Comment: This sequence change replaces glutamic acid, which is acidic and polar, with lysine, which is basic and polar, at codon 2096 of the ABCA4 protein (p.Glu2096Lys). Information on the frequency of this variant in the gnomAD database is not available, as this variant may be reported differently in the database. This missense change has been observed in individual(s) with Stargardt disease (PMID: 11726554, 29925512, 33691693). In at least one individual the data is consistent with being in trans (on the opposite chromosome) from a pathogenic variant. It has also been observed to segregate with disease in related individuals. ClinVar contains an entry for this variant (Variation ID: 843110). Algorithms developed to predict the effect of variants on gene product structure and function are not available or were not evaluated for this variant. Experimental studies have shown that this missense change affects ABCA4 function (PMID: 11017087). This variant disrupts the p.Glu2096 amino acid residue in ABCA4. Other variant(s) that disrupt this residue have been observed in individuals with ABCA4-related conditions (PMID: 25474345), which suggests that this may be a clinically significant amino acid residue. For these reasons, this variant has been classified as Pathogenic.

Blueprint Genetics
Classification: Pathogenic for ABCA4-related disorders. Last evaluated: 2021-03-02. Review status: criteria provided, single submitter. Criteria: ACMG Guidelines, 2015. Collection method: clinical testing. Allele origin: germline. Affected: yes. Observed: 1 variant allele.

Literature cited by the submitters: PubMed 11726554 (cited by Labcorp Genetics (formerly Invitae), Labcorp); PubMed 29925512 (cited by Labcorp Genetics (formerly Invitae), Labcorp); PubMed 33691693 (cited by Labcorp Genetics (formerly Invitae), Labcorp); PubMed 11017087 (cited by Labcorp Genetics (formerly Invitae), Labcorp); PubMed 25474345 (cited by Labcorp Genetics (formerly Invitae), Labcorp).

NM_000350.3(ABCA4):c.6285_6286inv (p.Glu2096Lys)

Gene: ABCA4 (ATP binding cassette subfamily A member 4; minus strand). Cytogenetic location: 1p22.1.
Variant type: Inversion.
Coding change: c.6285_6286inv on transcript NM_000350.3 (MANE Select).
Protein change: p.Glu2096Lys; replaces glutamic acid 2096 with lysine.
Molecular consequence: missense variant.
Genome position: GRCh38 VCF-style: chr1-94001102-CA-TG. GRCh37 (hg19) VCF-style: chr1-94466658-CA-TG.
Other names: c.6063_6064invTG, p.Glu2022Lys (NM_001425324.1); c.6285_6286inv (NM_000350.2); short protein forms E2096K, E2022K.
Identifiers: ClinVar variation 843110 (VCV000843110.10), ClinGen allele CA916082045.
Genomic context (GRCh38, chr1:94,001,102, plus strand): 5'-TGCTCACGATGACGTTCCACAGCATGCGGCGTGCCTGGGGGTCCATCCCTGTGGTGGGCT[CA>TG]TCCTGGGGGGTGGAGAGAAGGTTGGGGGCACAGGCTGGGAGCTGGCCCTTCTGATTACTG-3'
Protein context (NP_000341.2, residues 2086-2106): IGCPPLVLLD[Glu2096Lys]PTTGMDPQAR